The following is an entry in ClinVar:

NM_001128840.3(CACNA1D):c.2464G>A (p.Asp822Asn)

Gene: CACNA1D (calcium voltage-gated channel subunit alpha1 D; plus strand). Cytogenetic location: 3p21.1.
Variant type: single nucleotide variant.
Coding change: c.2464G>A on transcript NM_001128840.3 (MANE Select); coding-DNA position 2464, G replaced by A.
Protein change: p.Asp822Asn; replaces aspartic acid 822 with asparagine.
Molecular consequence: missense variant.
Genome position (GRCh38, 1-based): chr3:53,732,073, G>A. VCF-style: chr3-53732073-G-A. GRCh37 (hg19) VCF-style: chr3-53766100-G-A.
Other names: c.2524G>A, p.Asp842Asn (NM_000720.4); c.2464G>A, p.Asp822Asn (NM_001128839.3); short protein forms D842N, D822N.
Identifiers: ClinVar variation 1489974 (VCV001489974.8), dbSNP rs745329034, ClinGen allele CA2454248.

ClinVar aggregate classification (germline): Uncertain significance (1 of 4 stars; one submission).

Allele frequency attached by ClinVar (database versions not stated): gnomAD exomes below 0.00001 and 0.00001; ExAC 0.00001; gnomAD 0.00001; TOPMed 0.00001.

Submission:

Labcorp Genetics (formerly Invitae), Labcorp
Classification: Uncertain significance. Last evaluated: 2025-03-25. Review status: criteria provided, single submitter. Criteria: Invitae Variant Classification Sherloc (09022015). Collection method: clinical testing. Allele origin: germline.
Comment: This sequence change replaces aspartic acid, which is acidic and polar, with asparagine, which is neutral and polar, at codon 842 of the CACNA1D protein (p.Asp842Asn). This variant is present in population databases (rs745329034, gnomAD 0.0009%). This variant has not been reported in the literature in individuals affected with CACNA1D-related conditions. ClinVar contains an entry for this variant (Variation ID: 1489974). An algorithm developed to predict the effect of missense changes on protein structure and function (PolyPhen-2) suggests that this variant is likely to be tolerated. In summary, the available evidence is currently insufficient to determine the role of this variant in disease. Therefore, it has been classified as a Variant of Uncertain Significance.